The following is an entry in ClinVar:

ClinVar aggregate classification (germline): Uncertain significance (1 of 4 stars; one submission).

Conditions:
Ataxia-telangiectasia syndrome (AT). Also called: LOUIS-BAR SYNDROME; Cerebello-oculocutaneous telangiectasia; Immunodeficiency with ataxia telangiectasia; Ataxia telangiectasia (A-T); Ataxia-telangiectasia, complementation group D; AT, COMPLEMENTATION GROUP C. Identifiers: Orphanet 100, MedGen C0004135, MONDO:0008840, OMIM 208900.

Submission:

Labcorp Genetics (formerly Invitae), Labcorp
Classification: Uncertain significance for Ataxia-telangiectasia syndrome. Last evaluated: 2023-01-24. Review status: criteria provided, single submitter. Criteria: Invitae Variant Classification Sherloc (09022015). Collection method: clinical testing. Allele origin: germline.
Comment: This variant is not present in population databases (gnomAD no frequency). In summary, the available evidence is currently insufficient to determine the role of this variant in disease. Therefore, it has been classified as a Variant of Uncertain Significance. Algorithms developed to predict the effect of sequence changes on RNA splicing suggest that this variant may disrupt the consensus splice site. This variant has not been reported in the literature in individuals affected with ATM-related conditions. This variant, c.5982_5983insAGTAAGAAAAAAAGTAAA, results in the insertion of 6 amino acid(s) of the ATM protein (p.Lys1994_Glu1995insSerLysLysLysSerLys), but otherwise preserves the integrity of the reading frame.

NM_000051.4(ATM):c.5982_5983insAGTAAGAAAAAAAGTAAA (p.Lys1994_Glu1995insSerLysLysLysSerLys)

Genes: ATM (ATM serine/threonine kinase; plus strand), C11orf65 (chromosome 11 open reading frame 65; minus strand). Cytogenetic location: 11q22.3.
Variant type: Microsatellite.
Coding change: c.5982_5983insAGTAAGAAAAAAAGTAAA on transcript NM_000051.4 (MANE Select); coding-DNA positions 5982 to 5983, AGTAAGAAAAAAAGTAAA inserted.
Protein change: p.Lys1994_Glu1995insSerLysLysLysSerLys.
Molecular consequence: inframe insertion. On other transcripts: intron variant (2).
Genome position: GRCh38 VCF-style: chr11-108312463-G-GAAAAAAGTAAAAGTAAGA. GRCh37 (hg19) VCF-style: chr11-108183190-G-GAAAAAAGTAAAAGTAAGA.
Other names: c.5982_5983insAGTAAGAAAAAAAGTAAA, p.Lys1994_Glu1995insSerLysLysLysSerLys (NM_001351834.2); c.641-3393_641-3392insTTTACTTTTTTTCTTACT (NM_001330368.2); c.*39-3393_*39-3392insTTTACTTTTTTTCTTACT (NM_001351110.2).
Identifiers: ClinVar variation 2831556 (VCV002831556.3), dbSNP rs2547053651.
Genomic context (GRCh38, chr11:108,312,463, plus strand): 5'-ACAAACAGAAGTCTTGCATTTGAAGAAGGAAGCCAGAGTACAACTATTTCTAGCTTGAGT[G>GAAAAAAGTAAAAGTAAGA]AAAAAAGTAAAGAAGAAACTGGAATAAGTTTACAGGTAAATATTAGAGGCTCTATTATTT-3'